The following is an entry in ClinVar:

NC_000005.10:g.(?_112827098)_(112844136_?)del

Gene: APC (APC regulator of Wnt signaling pathway; plus strand). Cytogenetic location: 5q22.2.
Variant type: Deletion.
Identifiers: ClinVar variation 640992 (VCV000640992.2).

ClinVar aggregate classification (germline): Pathogenic (1 of 4 stars; one submission).

Conditions:
Familial adenomatous polyposis 1 (FAP1). Also called: POLYPOSIS, ADENOMATOUS INTESTINAL; FAMILIAL ADENOMATOUS POLYPOSIS 1, ATTENUATED. Identifiers: MedGen C2713442, MONDO:0021056, OMIM 175100. Disease mechanism: loss of function.

Submission:

Labcorp Genetics (formerly Invitae), Labcorp
Classification: Pathogenic for Familial adenomatous polyposis 1. Last evaluated: 2019-03-27. Review status: criteria provided, single submitter. Criteria: Invitae Variant Classification Sherloc (09022015). Collection method: clinical testing. Allele origin: germline.
Comment: This variant is a gross deletion of the genomic region encompassing exons 12-16 of the APC gene. The 5' boundary is likely confined to intron 11. The 3' end of this event is unknown as it extends through the termination codon beyond the assayed region for this gene and may encompass additional genes. While this deletion is not anticipated to result in nonsense mediated decay, it is expected to create a truncated protein product or disrupt mRNA translation. Deletions encompassing exons 12-16, also known as exons 11-15 in the literature, have been reported in individuals and families affected with familial adenomatous polyposis (PMID: 20223039, 16736293, 18487285). For these reasons, this variant has been classified as Pathogenic.

Literature cited by the submitters: PubMed 16736293; PubMed 18487285; PubMed 20223039.